The following is an entry in ClinVar:

ClinVar aggregate classification (germline): Uncertain significance (1 of 4 stars; one submission).

gnomAD v4.1: 1 of 1,551,670 alleles (0.000064%); highest among the groups gnomAD compares: South Asian, 0.0012%; no homozygotes.

Submission:

Labcorp Genetics (formerly Invitae), Labcorp
Classification: Uncertain significance. Last evaluated: 2025-03-03. Review status: criteria provided, single submitter. Criteria: Invitae Variant Classification Sherloc (09022015). Collection method: clinical testing. Allele origin: germline.
Comment: This sequence change replaces serine, which is neutral and polar, with asparagine, which is neutral and polar, at codon 369 of the FOXI3 protein (p.Ser369Asn). This variant is not present in population databases (gnomAD no frequency). This variant has not been reported in the literature in individuals affected with FOXI3-related conditions. ClinVar contains an entry for this variant (Variation ID: 1906732). Experimental studies and prediction algorithms are not available or were not evaluated, and the functional significance of this variant is currently unknown. In summary, the available evidence is currently insufficient to determine the role of this variant in disease. Therefore, it has been classified as a Variant of Uncertain Significance.

NM_001135649.3(FOXI3):c.1106G>A (p.Ser369Asn)

Gene: FOXI3 (forkhead box I3; minus strand). Cytogenetic location: 2p11.2.
Variant type: single nucleotide variant.
Coding change: c.1106G>A on transcript NM_001135649.3 (MANE Select); coding-DNA position 1106, G replaced by A.
Protein change: p.Ser369Asn; replaces serine 369 with asparagine.
Molecular consequence: missense variant.
Genome position (GRCh38, 1-based): chr2:88,448,364, C>T on the plus strand (G>A on the coding strand, the complement: FOXI3 is on the minus strand). VCF-style: chr2-88448364-C-T. GRCh37 (hg19) VCF-style: chr2-88747883-C-T.
Other names: short protein forms S369N.
Identifiers: ClinVar variation 1906732 (VCV001906732.5), dbSNP rs1474215048, ClinGen allele CA347764497.